The following is an entry in ClinVar:

ClinVar aggregate classification (germline): Likely benign (1 of 4 stars; one submission).

gnomAD v4.1: 1 of 1,425,676 alleles (0.00007%); highest among the groups gnomAD compares: Non-Finnish European, 0.000094%; no homozygotes.

Submission:

CeGaT Center for Human Genetics Tuebingen
Classification: Likely benign. Last evaluated: 2025-08-01. Review status: criteria provided, single submitter. Criteria: CeGaT Center For Human Genetics Tuebingen Variant Classification Criteria Version 2. Collection method: clinical testing. Allele origin: germline. Affected: yes. Observed: 1 variant allele.
Comment: ALK: BP4, BP7

NM_004304.5(ALK):c.2697T>C (p.Gly899=)

Gene: ALK (ALK receptor tyrosine kinase; minus strand). Cytogenetic location: 2p23.2.
Variant type: single nucleotide variant.
Coding change: c.2697T>C on transcript NM_004304.5 (MANE Select); coding-DNA position 2697, T replaced by C.
Protein change: p.Gly899=; no amino-acid change (glycine 899 retained).
Molecular consequence: synonymous variant.
Genome position (GRCh38, 1-based): chr2:29,229,002, A>G on the plus strand (T>C on the coding strand, the complement: ALK is on the minus strand). VCF-style: chr2-29229002-A-G. GRCh37 (hg19) VCF-style: chr2-29451868-A-G.
Identifiers: ClinVar variation 4085676 (VCV004085676.8).